The following is an entry in ClinVar:

ClinVar aggregate classification (germline): Uncertain significance. Review status: criteria provided, multiple submitters, no conflicts (2 of 4 stars). 2 submissions from 2 submitters: Uncertain significance (2). Last evaluated 2023-05-04.

Conditions:
Norman-Roberts syndrome (LIS2). Also called: Lissencephaly 2 (Norman-Roberts type). Identifiers: Orphanet 89844, MedGen C0796089, MONDO:0009760, OMIM 257320.
Familial temporal lobe epilepsy 7. Identifiers: Orphanet 101046, MedGen C4225327, MONDO:0014639, OMIM 616436.

Submissions (2):

GeneDx
Classification: Uncertain significance. Last evaluated: 2023-05-04. Review status: criteria provided, single submitter. Criteria: GeneDx Variant Classification Process June 2021. Collection method: clinical testing. Allele origin: germline. Affected: yes.
Comment: Not observed at significant frequency in large population cohorts (gnomAD); In silico analysis supports that this missense variant does not alter protein structure/function; Has not been previously published as pathogenic or benign to our knowledge

Labcorp Genetics (formerly Invitae), Labcorp
Classification: Uncertain significance for Familial temporal lobe epilepsy 7; Norman-Roberts syndrome. Last evaluated: 2021-10-05. Review status: criteria provided, single submitter. Criteria: Invitae Variant Classification Sherloc (09022015). Collection method: clinical testing. Allele origin: germline.
Comment: In summary, the available evidence is currently insufficient to determine the role of this variant in disease. Therefore, it has been classified as a Variant of Uncertain Significance. Algorithms developed to predict the effect of missense changes on protein structure and function are either unavailable or do not agree on the potential impact of this missense change (SIFT: "Deleterious"; PolyPhen-2: "Benign"; Align-GVGD: "Class C0"). This variant has not been reported in the literature in individuals affected with RELN-related conditions. This variant is not present in population databases (ExAC no frequency). This sequence change replaces glutamine with arginine at codon 766 of the RELN protein (p.Gln766Arg). The glutamine residue is highly conserved and there is a small physicochemical difference between glutamine and arginine.

NM_005045.4(RELN):c.2297A>G (p.Gln766Arg)

Gene: RELN (reelin; minus strand). Cytogenetic location: 7q22.1.
Variant type: single nucleotide variant.
Coding change: c.2297A>G on transcript NM_005045.4 (MANE Select); coding-DNA position 2297, A replaced by G.
Protein change: p.Gln766Arg; replaces glutamine 766 with arginine.
Molecular consequence: missense variant.
Genome position (GRCh38, 1-based): chr7:103,636,241, T>C on the plus strand (A>G on the coding strand, the complement: RELN is on the minus strand). VCF-style: chr7-103636241-T-C. GRCh37 (hg19) VCF-style: chr7-103276688-T-C.
Other names: c.2297A>G (NM_005045.3); c.2297A>G, p.Gln766Arg (NM_173054.3); short protein forms Q766R.
Identifiers: ClinVar variation 1494589 (VCV001494589.7), dbSNP rs2117351011, ClinGen allele CA368761405.
Genomic context (GRCh38, chr7:103,636,241, plus strand): 5'-AAATTCAACATTAGTATCTGGTTTTTGTATGTATTCTACCCTGCCTTCACTCACCTGGAT[T>C]GTGAGCTGTCAAGGAAAGATGTAATTAGCTGACGCCGCCCATCTTTGTTGAAAACCAGGG-3'
Protein context (NP_005036.2, residues 756-776): QLITSFLDSS[Gln766Arg]SRFLQFTLRL